The following is an entry in ClinVar:

ClinVar aggregate classification (germline): Likely benign (1 of 4 stars; one submission).

Conditions:
Ichthyosis bullosa of Siemens (IBS). Also called: Superficial epidermolytic ichthyosis. Identifiers: Orphanet 455, MedGen C0432306, MONDO:0007813, OMIM 146800.

Allele frequency attached by ClinVar (database versions not stated): gnomAD 0.00006; TOPMed 0.00006; ESP Exome Variant Server 0.00008; 1000 Genomes Project 30x 0.00016; 1000 Genomes Project 0.00020; ExAC 0.00021; gnomAD exomes 0.00024.

Submission:

Illumina Laboratory Services, Illumina
Classification: Likely benign for Ichthyosis bullosa of Siemens. Last evaluated: 2018-01-13. Review status: criteria provided, single submitter. Criteria: ICSL Variant Classification Criteria 13 December 2019. Collection method: clinical testing. Allele origin: germline.
Comment: This variant was observed in the ICSL laboratory as part of a predisposition screen in an ostensibly healthy population. It had not been previously curated by ICSL or reported in the Human Gene Mutation Database (HGMD: prior to June 1st, 2018), and was therefore a candidate for classification through an automated scoring system. Utilizing variant allele frequency, disease prevalence and penetrance estimates, and inheritance mode, an automated score was calculated to assess if this variant is too frequent to cause the disease. Based on the score and internal cut-off values, a variant classified as likely benign is not then subjected to further curation. The score for this variant resulted in a classification of likely benign for this disease.

NM_000423.3(KRT2):c.1719C>T (p.Tyr573=)

Gene: KRT2 (keratin 2; minus strand). Cytogenetic location: 12q13.13.
Variant type: single nucleotide variant.
Coding change: c.1719C>T on transcript NM_000423.3 (MANE Select); coding-DNA position 1719, C replaced by T.
Protein change: p.Tyr573=; no amino-acid change (tyrosine 573 retained).
Molecular consequence: synonymous variant.
Genome position (GRCh38, 1-based): chr12:52,645,220, G>A on the plus strand (C>T on the coding strand, the complement: KRT2 is on the minus strand). VCF-style: chr12-52645220-G-A. GRCh37 (hg19) VCF-style: chr12-53039004-G-A.
Identifiers: ClinVar variation 309597 (VCV000309597.5), dbSNP rs141769548, ClinGen allele CA6585383.